The following is an entry in ClinVar:

ClinVar aggregate classification (germline): Uncertain significance (1 of 4 stars; one submission).

Conditions:
Transcobalamin II deficiency (TCN2D). Also called: TC II DEFICIENCY; TCN2 DEFICIENCY; Transcolabamin II deficiency. Identifiers: Orphanet 859, MedGen C0342701, MONDO:0010149, OMIM 275350.

gnomAD v4.1: 1 of 1,613,108 alleles (0.000062%); highest among the groups gnomAD compares: Non-Finnish European, 0.000085%; no homozygotes.

Submission:

Labcorp Genetics (formerly Invitae), Labcorp
Classification: Uncertain significance for Transcobalamin II deficiency. Last evaluated: 2025-04-29. Review status: criteria provided, single submitter. Criteria: Invitae Variant Classification Sherloc (09022015). Collection method: clinical testing. Allele origin: germline.
Comment: This sequence change replaces threonine, which is neutral and polar, with alanine, which is neutral and non-polar, at codon 403 of the TCN2 protein (p.Thr403Ala). This variant is not present in population databases (gnomAD no frequency). This variant has not been reported in the literature in individuals affected with TCN2-related conditions. Invitae Evidence Modeling of protein sequence and biophysical properties (such as structural, functional, and spatial information, amino acid conservation, physicochemical variation, residue mobility, and thermodynamic stability) indicates that this missense variant is expected to disrupt TCN2 protein function with a positive predictive value of 80%. In summary, the available evidence is currently insufficient to determine the role of this variant in disease. Therefore, it has been classified as a Variant of Uncertain Significance.

NM_000355.4(TCN2):c.1207A>G (p.Thr403Ala)

Gene: TCN2 (transcobalamin 2; plus strand). Cytogenetic location: 22q12.2.
Variant type: single nucleotide variant.
Coding change: c.1207A>G on transcript NM_000355.4 (MANE Select); coding-DNA position 1207, A replaced by G.
Protein change: p.Thr403Ala; replaces threonine 403 with alanine.
Molecular consequence: missense variant.
Genome position (GRCh38, 1-based): chr22:30,623,068, A>G. VCF-style: chr22-30623068-A-G. GRCh37 (hg19) VCF-style: chr22-31019055-A-G.
Other names: c.1126A>G, p.Thr376Ala (NM_001184726.2); short protein forms T376A, T403A.
Identifiers: ClinVar variation 4810445 (VCV004810445.1).